The following is an entry in ClinVar:

ClinVar aggregate classification (germline): Uncertain significance (1 of 4 stars; one submission).

gnomAD v4.1: 2 of 1,550,890 alleles (0.00013%); highest among the groups gnomAD compares: Non-Finnish European, 0.00017%; no homozygotes.

Submission:

Laboratorio de Genetica e Diagnostico Molecular, Hospital Israelita Albert Einstein
Classification: Uncertain significance. Last evaluated: 2020-03-10. Review status: criteria provided, single submitter. Criteria: ACMG Guidelines, 2015. Collection method: clinical testing. Allele origin: germline. Affected: yes.
Comment: ACMG classification criteria: PM2, BP4

NM_001371986.1(UNC80):c.3372T>A (p.Ser1124Arg)

Gene: UNC80 (unc-80 homolog, NALCN channel complex subunit; plus strand). Cytogenetic location: 2q34.
Variant type: single nucleotide variant.
Coding change: c.3372T>A on transcript NM_001371986.1 (MANE Select); coding-DNA position 3372, T replaced by A.
Protein change: p.Ser1124Arg; replaces serine 1124 with arginine.
Molecular consequence: missense variant.
Genome position (GRCh38, 1-based): chr2:209,842,364, T>A. VCF-style: chr2-209842364-T-A. GRCh37 (hg19) VCF-style: chr2-210707088-T-A.
Other names: c.3378T>A, p.Ser1126Arg (NM_032504.2); c.3363T>A, p.Ser1121Arg (NM_182587.4); short protein forms S1121R, S1124R, S1126R.
Identifiers: ClinVar variation 1690835 (VCV001690835.2), dbSNP rs199664663, ClinGen allele CA350731928.